The following is an entry in ClinVar:

NM_000188.3(HK1):c.1057A>G (p.Lys353Glu)

Gene: HK1 (hexokinase 1; plus strand). Cytogenetic location: 10q22.1.
Variant type: single nucleotide variant.
Coding change: c.1057A>G on transcript NM_000188.3 (MANE Select); coding-DNA position 1057, A replaced by G.
Protein change: p.Lys353Glu; replaces lysine 353 with glutamic acid.
Molecular consequence: missense variant.
Genome position (GRCh38, 1-based): chr10:69,379,887, A>G. VCF-style: chr10-69379887-A-G. GRCh37 (hg19) VCF-style: chr10-71139643-A-G.
Other names: c.1069A>G, p.Lys357Glu (NM_001322364.2, NM_001358263.1, NM_033497.3 and 1 more transcripts); c.1162A>G, p.Lys388Glu (NM_001322365.2); c.973A>G, p.Lys325Glu (NM_001322366.1); c.961A>G, p.Lys321Glu (NM_001322367.1); c.1054A>G, p.Lys352Glu (NM_033496.3); c.1021A>G, p.Lys341Glu (NM_033500.2); short protein forms K325E, K353E, K357E, K388E, K321E, K341E, K352E.
Identifiers: ClinVar variation 1910570 (VCV001910570.5), dbSNP rs780258617, ClinGen allele CA376917184.

ClinVar aggregate classification (germline): Uncertain significance (1 of 4 stars; one submission).

gnomAD v4.1: 6 of 1,614,064 alleles (0.00037%); highest among the groups gnomAD compares: Admixed American, 0.01%; no homozygotes.

Submission:

Labcorp Genetics (formerly Invitae), Labcorp
Classification: Uncertain significance. Last evaluated: 2022-05-26. Review status: criteria provided, single submitter. Criteria: Invitae Variant Classification Sherloc (09022015). Collection method: clinical testing. Allele origin: germline.
Comment: In summary, the available evidence is currently insufficient to determine the role of this variant in disease. Therefore, it has been classified as a Variant of Uncertain Significance. Algorithms developed to predict the effect of missense changes on protein structure and function (SIFT, PolyPhen-2, Align-GVGD) all suggest that this variant is likely to be tolerated. This variant has not been reported in the literature in individuals affected with HK1-related conditions. This variant is present in population databases (no rsID available, gnomAD 0.01%). This sequence change replaces lysine, which is basic and polar, with glutamic acid, which is acidic and polar, at codon 353 of the HK1 protein (p.Lys353Glu).